The following is an entry in ClinVar:

NM_007175.8(ERLIN2):c.278A>G (p.Asn93Ser)

Gene: ERLIN2 (ER lipid raft associated 2; plus strand). Cytogenetic location: 8p11.23.
Variant type: single nucleotide variant.
Coding change: c.278A>G on transcript NM_007175.8 (MANE Select); coding-DNA position 278, A replaced by G.
Protein change: p.Asn93Ser; replaces asparagine 93 with serine.
Molecular consequence: missense variant.
Genome position (GRCh38, 1-based): chr8:37,744,396, A>G. VCF-style: chr8-37744396-A-G. GRCh37 (hg19) VCF-style: chr8-37601914-A-G.
Other names: c.278A>G, p.Asn93Ser (NM_001003790.4, NM_001003791.3, NM_001362878.2 and 1 more transcripts); short protein forms N93S.
Identifiers: ClinVar variation 1309711 (VCV001309711.2), dbSNP rs2129678491, ClinGen allele CA370651926.

ClinVar aggregate classification (germline): Uncertain significance (1 of 4 stars; one submission).

Submission:

GeneDx
Classification: Uncertain significance. Last evaluated: 2019-11-05. Review status: criteria provided, single submitter. Criteria: GeneDx Variant Classification Process June 2021. Collection method: clinical testing. Allele origin: germline. Affected: yes.
Comment: Has not been previously published as pathogenic or benign to our knowledge; Not observed in large population cohorts (Lek et al., 2016); In silico analysis, which includes protein predictors and evolutionary conservation, supports a deleterious effect; In addition, in silico splice predictors suggest this variant may lead to abnormal gene splicing; In the absence of RNA/functional studies, the actual effect of this sequence change is unknown